The following is an entry in ClinVar:

ClinVar aggregate classification (germline): Likely pathogenic (1 of 4 stars; one submission).

Conditions:
Autosomal recessive limb-girdle muscular dystrophy type 2J (LGMDR10). Also called: Limb-girdle muscular dystrophy, type 2J; MUSCULAR DYSTROPHY, LIMB-GIRDLE, AUTOSOMAL RECESSIVE 10. Identifiers: Orphanet 140922, MedGen C1837342, MONDO:0012127, OMIM 608807.
Dilated cardiomyopathy 1G (CMD1G). Identifiers: Orphanet 154, MedGen C1858763, MONDO:0011400, OMIM 604145.

Submission:

Labcorp Genetics (formerly Invitae), Labcorp
Classification: Likely pathogenic for Dilated cardiomyopathy 1G; Autosomal recessive limb-girdle muscular dystrophy type 2J. Last evaluated: 2023-10-17. Review status: criteria provided, single submitter. Criteria: Invitae Variant Classification Sherloc (09022015). Collection method: clinical testing. Allele origin: germline.
Comment: This sequence change creates a premature translational stop signal (p.Gln21475*) in the TTN gene. While this is not anticipated to result in nonsense mediated decay, it is expected to create a truncated TTN protein. This variant is not present in population databases (gnomAD no frequency). This variant has not been reported in the literature in individuals affected with TTN-related conditions. This variant is located in the A band of TTN (PMID: 25589632). Truncating variants in this region are significantly overrepresented in patients affected with dilated cardiomyopathy (PMID: 25589632). Truncating variants in this region have also been reported in individuals affected with autosomal recessive centronuclear myopathy (PMID: 23975875). In summary, the currently available evidence indicates that the variant is pathogenic, but additional data are needed to prove that conclusively. Therefore, this variant has been classified as Likely Pathogenic.

Literature cited by the submitters: PubMed 25589632; PubMed 23975875.

NM_001267550.2(TTN):c.64423C>T (p.Gln21475Ter)

Genes: TTN-AS1 (TTN antisense RNA 1; plus strand), TTN (titin; minus strand). Cytogenetic location: 2q31.2.
Variant type: single nucleotide variant.
Coding change: c.64423C>T on transcript NM_001267550.2 (MANE Select); coding-DNA position 64423, C replaced by T.
Protein change: p.Gln21475Ter; replaces glutamine 21475 with a stop codon.
Molecular consequence: nonsense.
Genome position (GRCh38, 1-based): chr2:178,585,321, G>A on the plus strand (C>T on the coding strand, the complement: TTN is on the minus strand). VCF-style: chr2-178585321-G-A. GRCh37 (hg19) VCF-style: chr2-179450048-G-A.
Other names: c.59500C>T, p.Gln19834Ter (NM_001256850.1); c.37228C>T, p.Gln12410Ter (NM_003319.4); c.56719C>T, p.Gln18907Ter (NM_133378.4); c.37603C>T, p.Gln12535Ter (NM_133432.3); c.37804C>T, p.Gln12602Ter (NM_133437.4); short protein forms Q12602*, Q19834*, Q12410*, Q18907*, Q12535*, Q21475*.
Identifiers: ClinVar variation 2953007 (VCV002953007.3), dbSNP rs2469180395, ClinGen allele CA349440301.
Genomic context (GRCh38, chr2:178,585,321, plus strand): 5'-GAGGCTTTCCATACACATGGGCTTCAATTCGGAGTTTTTTCCCAGCTTTGATAGTTATTT[G>A]CTCTGGCATAAGGATCTTTGGTGGCACTGAAAGTAAAATGAAAAGATATTAATTTTGGGA-3'